The following is an entry in ClinVar:

NM_006208.3(ENPP1):c.1835T>C (p.Val612Ala)

Gene: ENPP1 (ectonucleotide pyrophosphatase/phosphodiesterase 1; plus strand). Cytogenetic location: 6q23.2.
Variant type: single nucleotide variant.
Coding change: c.1835T>C on transcript NM_006208.3 (MANE Select); coding-DNA position 1835, T replaced by C.
Protein change: p.Val612Ala; replaces valine 612 with alanine.
Molecular consequence: missense variant.
Genome position (GRCh38, 1-based): chr6:131,877,103, T>C. VCF-style: chr6-131877103-T-C. GRCh37 (hg19) VCF-style: chr6-132198243-T-C.
Other names: short protein forms V612A.
Identifiers: ClinVar variation 2738396 (VCV002738396.3), dbSNP rs1782239379, ClinGen allele CA365652384.

ClinVar aggregate classification (germline): Uncertain significance (1 of 4 stars; one submission).

Allele frequency attached by ClinVar (database versions not stated): gnomAD exomes below 0.00001; gnomAD 0.00001; TOPMed 0.00001.
gnomAD v4.1: 2 of 1,613,968 alleles (0.00012%); highest among the groups gnomAD compares: African/African-American, 0.0013%; no homozygotes.

Submission:

Labcorp Genetics (formerly Invitae), Labcorp
Classification: Uncertain significance. Last evaluated: 2025-11-08. Review status: criteria provided, single submitter. Criteria: Invitae Variant Classification Sherloc (09022015). Collection method: clinical testing. Allele origin: germline.
Comment: This sequence change replaces valine, which is neutral and non-polar, with alanine, which is neutral and non-polar, at codon 612 of the ENPP1 protein (p.Val612Ala). This variant is not present in population databases (gnomAD no frequency). This variant has not been reported in the literature in individuals affected with ENPP1-related conditions. ClinVar contains an entry for this variant (Variation ID: 2738396). Invitae Evidence Modeling of protein sequence and biophysical properties (such as structural, functional, and spatial information, amino acid conservation, physicochemical variation, residue mobility, and thermodynamic stability) indicates that this missense variant is not expected to disrupt ENPP1 protein function with a negative predictive value of 80%. In summary, the available evidence is currently insufficient to determine the role of this variant in disease. Therefore, it has been classified as a Variant of Uncertain Significance.